The following is an entry in ClinVar:

NM_002816.5(PSMD12):c.931A>T (p.Thr311Ser)

Gene: PSMD12 (proteasome 26S subunit, non-ATPase 12; minus strand). Cytogenetic location: 17q24.2.
Variant type: single nucleotide variant.
Coding change: c.931A>T on transcript NM_002816.5 (MANE Select); coding-DNA position 931, A replaced by T.
Protein change: p.Thr311Ser; replaces threonine 311 with serine.
Molecular consequence: missense variant.
Genome position (GRCh38, 1-based): chr17:67,344,758, T>A on the plus strand (A>T on the coding strand, the complement: PSMD12 is on the minus strand). VCF-style: chr17-67344758-T-A. GRCh37 (hg19) VCF-style: chr17-65340874-T-A.
Other names: c.754A>T, p.Thr252Ser (NM_001316341.2); c.871A>T, p.Thr291Ser (NM_174871.4); short protein forms T252S, T291S, T311S.
Identifiers: ClinVar variation 4975475 (VCV004975475.1).

ClinVar aggregate classification (germline): Uncertain significance (1 of 4 stars; one submission).

Submission:

GeneDx
Classification: Uncertain significance. Last evaluated: 2026-01-22. Review status: criteria provided, single submitter. Criteria: GeneDx Variant Classification Process June 2021. Collection method: clinical testing. Allele origin: germline.
Comment: Not observed at significant frequency in large population cohorts (gnomAD); In silico analysis suggests that this missense variant does not alter protein structure/function; Has not been previously published as pathogenic or benign to our knowledge